The following is an entry in ClinVar:

ClinVar aggregate classification (germline): Uncertain significance (1 of 4 stars; one submission).

gnomAD v4.1: 18 of 1,611,974 alleles (0.0011%); highest among the groups gnomAD compares: African/African-American, 0.0067%; no homozygotes.

Submission:

GeneDx
Classification: Uncertain significance. Last evaluated: 2025-03-26. Review status: criteria provided, single submitter. Criteria: GeneDx Variant Classification Process June 2021. Collection method: clinical testing. Allele origin: germline. Affected: yes.
Comment: In silico analysis supports a deleterious effect on splicing; In silico analysis indicates that this missense variant does not alter protein structure/function; Has not been previously published as pathogenic or benign to our knowledge

NM_138295.5(PKD1L1):c.160G>A (p.Glu54Lys)

Gene: PKD1L1 (polycystin 1 like 1, transient receptor potential channel interacting; minus strand). Cytogenetic location: 7p12.3.
Variant type: single nucleotide variant.
Coding change: c.160G>A on transcript NM_138295.5 (MANE Select); coding-DNA position 160, G replaced by A.
Protein change: p.Glu54Lys; replaces glutamic acid 54 with lysine.
Molecular consequence: missense variant.
Genome position (GRCh38, 1-based): chr7:47,943,396, C>T on the plus strand (G>A on the coding strand, the complement: PKD1L1 is on the minus strand). VCF-style: chr7-47943396-C-T. GRCh37 (hg19) VCF-style: chr7-47982993-C-T.
Other names: short protein forms E54K.
Identifiers: ClinVar variation 4087997 (VCV004087997.1).